The following is an entry in ClinVar:

ClinVar aggregate classification (germline): Uncertain significance (1 of 4 stars; one submission).

Conditions:
Intellectual developmental disorder, X-linked, syndromic, Turner type. Also called: X-linked intellectual disability, Turner type; Intellectual disability, X-linked syndromic, Turner type. Identifiers: Orphanet 3056, Orphanet 85328, MedGen C2678046, MONDO:0010407, OMIM 309590.

Submission:

Laboratorio de Genetica e Diagnostico Molecular, Hospital Israelita Albert Einstein
Classification: Uncertain significance for Intellectual developmental disorder, X-linked, syndromic, Turner type. Last evaluated: 2024-09-13. Review status: criteria provided, single submitter. Criteria: ACMG Guidelines, 2015. Collection method: clinical testing. Allele origin: germline. Affected: yes.
Comment: ACMG classification criteria: PM2 supporting, PP2 supporting, BP4 supporting

NM_031407.7(HUWE1):c.6803G>A (p.Ser2268Asn)

Gene: HUWE1 (HECT, UBA and WWE domain containing E3 ubiquitin protein ligase 1; minus strand). Cytogenetic location: Xp11.22.
Variant type: single nucleotide variant.
Coding change: c.6803G>A on transcript NM_031407.7 (MANE Select); coding-DNA position 6803, G replaced by A.
Protein change: p.Ser2268Asn; replaces serine 2268 with asparagine.
Molecular consequence: missense variant.
Genome position (GRCh38, 1-based): chrX:53,565,144, C>T on the plus strand (G>A on the coding strand, the complement: HUWE1 is on the minus strand). VCF-style: chrX-53565144-C-T. GRCh37 (hg19) VCF-style: chrX-53592105-C-T.
Other names: short protein forms S2268N.
Identifiers: ClinVar variation 4056778 (VCV004056778.1).